The following is an entry in ClinVar:

NM_032444.4(SLX4):c.3880G>A (p.Ala1294Thr)

Gene: SLX4 (SLX4 structure-specific endonuclease subunit; minus strand). Cytogenetic location: 16p13.3.
Variant type: single nucleotide variant.
Coding change: c.3880G>A on transcript NM_032444.4 (MANE Select); coding-DNA position 3880, G replaced by A.
Protein change: p.Ala1294Thr; replaces alanine 1294 with threonine.
Molecular consequence: missense variant.
Genome position (GRCh38, 1-based): chr16:3,589,758, C>T on the plus strand (G>A on the coding strand, the complement: SLX4 is on the minus strand). VCF-style: chr16-3589758-C-T. GRCh37 (hg19) VCF-style: chr16-3639759-C-T.
Other names: short protein forms A1294T.
Identifiers: ClinVar variation 3646659 (VCV003646659.2).
Genomic context (GRCh38, chr16:3,589,758, plus strand): 5'-GGGGCCTGATGACAGAAAACTTCTGTGCGACTTCGTTCCCTTCCCTGTTTCCTACTGAGG[C>T]CCTGGGCGTGTGCTGAGTCACCGCCTGCACGGCCAGCCCGCTCCTGAGGCTGCTGATTTG-3'
Protein context (NP_115820.2, residues 1284-1304): VQAVTQHTPR[Ala1294Thr]SVGNREGNEV

ClinVar aggregate classification (germline): Uncertain significance (1 of 4 stars; one submission).

Conditions:
Fanconi anemia (FA). Also called: Fanconi's anemia. Identifiers: Orphanet 84, MedGen C0015625, MeSH D005199, MONDO:0019391.

gnomAD v4.1: 1 of 1,613,768 alleles (0.000062%); highest among the groups gnomAD compares: South Asian, 0.0011%; no homozygotes.

Submission:

Labcorp Genetics (formerly Invitae), Labcorp
Classification: Uncertain significance for Fanconi anemia. Last evaluated: 2025-01-01. Review status: criteria provided, single submitter. Criteria: Invitae Variant Classification Sherloc (09022015). Collection method: clinical testing. Allele origin: germline.
Comment: This sequence change replaces alanine, which is neutral and non-polar, with threonine, which is neutral and polar, at codon 1294 of the SLX4 protein (p.Ala1294Thr). This variant is present in population databases (rs749975141, gnomAD 0.003%). This variant has not been reported in the literature in individuals affected with SLX4-related conditions. An algorithm developed to predict the effect of missense changes on protein structure and function outputs the following: PolyPhen-2: "Benign". The threonine amino acid residue is found in multiple mammalian species, which suggests that this missense change does not adversely affect protein function. In summary, the available evidence is currently insufficient to determine the role of this variant in disease. Therefore, it has been classified as a Variant of Uncertain Significance.